The following is an entry in ClinVar:

NM_000143.4(FH):c.738+1G>C

Gene: FH (fumarate hydratase; minus strand). Cytogenetic location: 1q43.
Variant type: single nucleotide variant.
Coding change: c.738+1G>C on transcript NM_000143.4 (MANE Select); the canonical splice donor site of the intron after coding-DNA position 738, G replaced by C.
Molecular consequence: splice donor variant.
Genome position (GRCh38, 1-based): chr1:241,508,602, C>G on the plus strand (G>C on the coding strand, the complement: FH is on the minus strand). VCF-style: chr1-241508602-C-G. GRCh37 (hg19) VCF-style: chr1-241671902-C-G.
Other names: c.738+1G>C (NM_000143.3).
Identifiers: ClinVar variation 2762052 (VCV002762052.5), dbSNP rs1659988368, ClinGen allele CA345439139.

ClinVar aggregate classification (germline): Pathogenic/Likely pathogenic. Review status: criteria provided, multiple submitters, no conflicts (2 of 4 stars). 3 submissions from 3 submitters: Pathogenic (1); Likely pathogenic (2). Last evaluated 2025-10-29.

Conditions:
Hereditary cancer-predisposing syndrome. Also called: Neoplastic Syndromes, Hereditary; Tumor predisposition; Hereditary neoplastic syndrome; Hereditary Cancer Syndrome. Identifiers: Orphanet 140162, MedGen C0027672, MeSH D009386, MONDO:0015356.
Fumarase deficiency (FMRD). Also called: Fumaric aciduria; Fumarate Hydratase Deficiency. Identifiers: Orphanet 24, MedGen C0342770, MONDO:0011730, OMIM 606812.

Submissions (3):

Ambry Genetics
Classification: Likely pathogenic for Hereditary cancer-predisposing syndrome. Last evaluated: 2025-10-29. Review status: criteria provided, single submitter. Criteria: Ambry Variant Classification Scheme 2023. Collection method: clinical testing. Allele origin: germline.
Comment: The c.738+1G>C intronic pathogenic mutation results from a G to C substitution one nucleotide after coding exon 5 of the FH gene. Alterations that disrupt the canonical splice site are expected to result in aberrant splicing. In silico splice site analysis predicts that this alteration will weaken the native splice donor site and may result in the creation or strengthening of a novel splice donor site. The resulting transcript is predicted to be in-frame and is not expected to trigger nonsense-mediated mRNAdecay; although, direct evidence is unavailable. However, the region predicted to be impacted is critical for protein function and a significant portion of the protein is predicted to be impacted (Ambry internal data). Other variant(s) impacting the same donor site (c.738+2T>C) have been identified in individual(s) with features consistent with FH-related tumor predisposition (Ambry internal data). This variant is considered to be rare based on population cohorts in the Genome Aggregation Database (gnomAD). This nucleotide position is highly conserved in available vertebrate species. Based on the majority of available evidence to date, this variant is likely to be pathogenic.

Labcorp Genetics (formerly Invitae), Labcorp
Classification: Pathogenic. Last evaluated: 2024-03-03. Review status: criteria provided, single submitter. Criteria: Invitae Variant Classification Sherloc (09022015). Collection method: clinical testing. Allele origin: germline.
Comment: This sequence change affects a donor splice site in intron 5 of the FH gene. It is expected to disrupt RNA splicing. Variants that disrupt the donor or acceptor splice site typically lead to a loss of protein function (PMID: 16199547), and loss-of-function variants in FH are known to be pathogenic (PMID: 11865300, 21398687). This variant is not present in population databases (gnomAD no frequency). Disruption of this splice site has been observed in individual(s) with clinical features of autosomal dominant hereditary leiomyomatosis and renal cell cancer and/or clinical features of autosomal recessive fumarate hydratase deficiency (PMID: 26173633; Invitae). Algorithms developed to predict the effect of sequence changes on RNA splicing suggest that this variant may disrupt the consensus splice site. For these reasons, this variant has been classified as Pathogenic.

3billion
Classification: Likely pathogenic for Fumarase deficiency. Last evaluated: 2023-06-08. Review status: criteria provided, single submitter. Criteria: ACMG Guidelines, 2015. Collection method: clinical testing. Allele origin: germline. Affected: yes.
Comment: The variant is not observed in the gnomAD v2.1.1 dataset. Predicted Consequence/Location: Canonical splice site: predicted to alter splicing and result in a loss or disruption of normal protein function. Multiple pathogenic loss-of-function variants are reported downstream of the variant. Therefore, this variant is classified as Likely pathogenic according to the recommendation of ACMG/AMP guideline.

Literature cited by the submitters: PubMed 16199547 (cited by Labcorp Genetics (formerly Invitae), Labcorp); PubMed 11865300 (cited by Labcorp Genetics (formerly Invitae), Labcorp); PubMed 21398687 (cited by Labcorp Genetics (formerly Invitae), Labcorp); PubMed 26173633 (cited by Labcorp Genetics (formerly Invitae), Labcorp).